The following is an entry in ClinVar:

ClinVar aggregate classification (germline): Uncertain significance. Review status: criteria provided, multiple submitters, no conflicts (2 of 4 stars). 2 submissions from 2 submitters: Uncertain significance (2). Last evaluated 2023-03-31.

Conditions:
Hereditary cancer-predisposing syndrome. Also called: Neoplastic Syndromes, Hereditary; Hereditary Cancer Syndrome; Tumor predisposition; Hereditary neoplastic syndrome. Identifiers: Orphanet 140162, MedGen C0027672, MeSH D009386, MONDO:0015356.

Submissions (2):

GeneDx
Classification: Uncertain significance. Last evaluated: 2023-03-31. Review status: criteria provided, single submitter. Criteria: GeneDx Variant Classification Process June 2021. Collection method: clinical testing. Allele origin: germline. Affected: yes.
Comment: Not observed at significant frequency in large population cohorts (gnomAD); In silico analysis supports that this missense variant has a deleterious effect on protein structure/function; Has not been previously published as pathogenic or benign to our knowledge; This variant is associated with the following publications: (PMID: Gordon2000[Book])

Ambry Genetics
Classification: Uncertain significance for Hereditary cancer-predisposing syndrome. Last evaluated: 2023-03-10. Review status: criteria provided, single submitter. Criteria: Ambry Variant Classification Scheme 2023. Collection method: clinical testing. Allele origin: germline.
Comment: The p.L368Q variant (also known as c.1103T>A), located in coding exon 11 of the FANCC gene, results from a T to A substitution at nucleotide position 1103. The leucine at codon 368 is replaced by glutamine, an amino acid with dissimilar properties. This amino acid position is conserved. In addition, this alteration is predicted to be deleterious by in silico analysis. Since supporting evidence is limited at this time, the clinical significance of this alteration remains unclear.

NM_000136.3(FANCC):c.1103T>A (p.Leu368Gln)

Genes: AOPEP (aminopeptidase O (putative); plus strand), FANCC (FA complementation group C; minus strand). Cytogenetic location: 9q22.32.
Variant type: single nucleotide variant.
Coding change: c.1103T>A on transcript NM_000136.3 (MANE Select); coding-DNA position 1103, T replaced by A.
Protein change: p.Leu368Gln; replaces leucine 368 with glutamine.
Molecular consequence: missense variant.
Genome position (GRCh38, 1-based): chr9:95,114,680, A>T on the plus strand (T>A on the coding strand, the complement: FANCC is on the minus strand). VCF-style: chr9-95114680-A-T. GRCh37 (hg19) VCF-style: chr9-97876962-A-T.
Other names: c.1103T>A, p.Leu368Gln (NM_001243743.2, NM_001243744.2); short protein forms L368Q.
Identifiers: ClinVar variation 2446907 (VCV002446907.3), dbSNP rs986339809, ClinGen allele CA196545687.